The following is an entry in ClinVar:

NM_025144.4(ALPK1):c.872A>G (p.Tyr291Cys)

Gene: ALPK1 (alpha kinase 1; plus strand). Cytogenetic location: 4q25.
Variant type: single nucleotide variant.
Coding change: c.872A>G on transcript NM_025144.4 (MANE Select); coding-DNA position 872, A replaced by G.
Protein change: p.Tyr291Cys; replaces tyrosine 291 with cysteine.
Molecular consequence: missense variant.
Genome position (GRCh38, 1-based): chr4:112,429,225, A>G. VCF-style: chr4-112429225-A-G. GRCh37 (hg19) VCF-style: chr4-113350381-A-G.
Other names: c.872A>G, p.Tyr291Cys (NM_001102406.2); c.638A>G, p.Tyr213Cys (NM_001253884.2); short protein forms Y291C, Y213C.
Identifiers: ClinVar variation 1938486 (VCV001938486.5), dbSNP rs758390294, ClinGen allele CA3046586.
Genomic context (GRCh38, chr4:112,429,225, plus strand): 5'-TTGACCACCATTTGCTGTCCGCTGCAGAAGCCTGCAAGCTGGCAGCTGCCTTCAGTGCCT[A>G]TACGCCGCTCTTCGTGCTCACAGCTGTGGTAAACGAATGCAGCCGCTCCTCAAACCCCCA-3'
Protein context (NP_079420.3, residues 281-301): ACKLAAAFSA[Tyr291Cys]TPLFVLTAVN

ClinVar aggregate classification (germline): Uncertain significance (1 of 4 stars; one submission).

Allele frequency attached by ClinVar (database versions not stated): ExAC 0.00002.
gnomAD v4.1: 19 of 1,612,814 alleles (0.0012%); highest among the groups gnomAD compares: East Asian, 0.0045%; no homozygotes.

Submission:

Labcorp Genetics (formerly Invitae), Labcorp
Classification: Uncertain significance. Last evaluated: 2025-04-19. Review status: criteria provided, single submitter. Criteria: Invitae Variant Classification Sherloc (09022015). Collection method: clinical testing. Allele origin: germline.
Comment: This sequence change replaces tyrosine, which is neutral and polar, with cysteine, which is neutral and slightly polar, at codon 291 of the ALPK1 protein (p.Tyr291Cys). This variant is present in population databases (rs758390294, gnomAD 0.006%). This variant has not been reported in the literature in individuals affected with ALPK1-related conditions. ClinVar contains an entry for this variant (Variation ID: 1938486). Invitae Evidence Modeling of protein sequence and biophysical properties (such as structural, functional, and spatial information, amino acid conservation, physicochemical variation, residue mobility, and thermodynamic stability) indicates that this missense variant is expected to disrupt ALPK1 protein function with a positive predictive value of 80%. In summary, the available evidence is currently insufficient to determine the role of this variant in disease. Therefore, it has been classified as a Variant of Uncertain Significance.